The following is an entry in ClinVar:

NM_005559.4(LAMA1):c.5626G>C (p.Ala1876Pro)

Gene: LAMA1 (laminin subunit alpha 1; minus strand). Cytogenetic location: 18p11.31.
Variant type: single nucleotide variant.
Coding change: c.5626G>C on transcript NM_005559.4 (MANE Select); coding-DNA position 5626, G replaced by C.
Protein change: p.Ala1876Pro; replaces alanine 1876 with proline.
Molecular consequence: missense variant.
Genome position (GRCh38, 1-based): chr18:6,985,271, C>G on the plus strand (G>C on the coding strand, the complement: LAMA1 is on the minus strand). VCF-style: chr18-6985271-C-G. GRCh37 (hg19) VCF-style: chr18-6985270-C-G.
Other names: short protein forms A1876P.
Identifiers: ClinVar variation 1306440 (VCV001306440.5), dbSNP rs11664063, ClinGen allele CA295759675.

ClinVar aggregate classification (germline): Uncertain significance. Review status: criteria provided, multiple submitters, no conflicts (2 of 4 stars). 2 submissions from 2 submitters: Uncertain significance (2). Last evaluated 2024-04-05.

gnomAD v4.1: 7 of 1,613,946 alleles (0.00043%); highest among the groups gnomAD compares: Admixed American, 0.0033%; no homozygotes.

Submissions (2):

Labcorp Genetics (formerly Invitae), Labcorp
Classification: Uncertain significance. Last evaluated: 2024-04-05. Review status: criteria provided, single submitter. Criteria: Invitae Variant Classification Sherloc (09022015). Collection method: clinical testing. Allele origin: germline.
Comment: This sequence change replaces alanine, which is neutral and non-polar, with proline, which is neutral and non-polar, at codon 1876 of the LAMA1 protein (p.Ala1876Pro). This variant is present in population databases (no rsID available, gnomAD 0.003%). This variant has not been reported in the literature in individuals affected with LAMA1-related conditions. ClinVar contains an entry for this variant (Variation ID: 1306440). Advanced modeling of protein sequence and biophysical properties (such as structural, functional, and spatial information, amino acid conservation, physicochemical variation, residue mobility, and thermodynamic stability) performed at Invitae indicates that this missense variant is expected to disrupt LAMA1 protein function with a positive predictive value of 80%. In summary, the available evidence is currently insufficient to determine the role of this variant in disease. Therefore, it has been classified as a Variant of Uncertain Significance.

GeneDx
Classification: Uncertain significance. Last evaluated: 2019-07-01. Review status: criteria provided, single submitter. Criteria: GeneDx Variant Classification Process June 2021. Collection method: clinical testing. Allele origin: germline. Affected: yes.
Comment: Not observed at a significant frequency in large population cohorts (Lek et al., 2016); In silico analysis, which includes protein predictors and evolutionary conservation, supports a deleterious effect; Has not been previously published as pathogenic or benign to our knowledge